The following is an entry in ClinVar:

NM_177402.5(SYT2):c.150G>T (p.Lys50Asn)

Gene: SYT2 (synaptotagmin 2; minus strand). Cytogenetic location: 1q32.1.
Variant type: single nucleotide variant.
Coding change: c.150G>T on transcript NM_177402.5 (MANE Select); coding-DNA position 150, G replaced by T.
Protein change: p.Lys50Asn; replaces lysine 50 with asparagine.
Molecular consequence: missense variant.
Genome position (GRCh38, 1-based): chr1:202,605,623, C>A on the plus strand (G>T on the coding strand, the complement: SYT2 is on the minus strand). VCF-style: chr1-202605623-C-A. GRCh37 (hg19) VCF-style: chr1-202574751-C-A.
Other names: c.150G>T, p.Lys50Asn (NM_001136504.1); short protein forms K50N.
Identifiers: ClinVar variation 2168541 (VCV002168541.7), dbSNP rs371333320, ClinGen allele CA1333859.

ClinVar aggregate classification (germline): Uncertain significance. Review status: criteria provided, multiple submitters, no conflicts (2 of 4 stars). 3 submissions from 3 submitters: Uncertain significance (3). Last evaluated 2025-05-18.

Conditions:
Inborn genetic diseases. Identifiers: MedGen C0950123, MeSH D030342.

Allele frequency attached by ClinVar (database versions not stated): gnomAD exomes 0.00002; ExAC 0.00007; ESP Exome Variant Server 0.00015; 1000 Genomes Project 30x 0.00016; 1000 Genomes Project 0.00020; gnomAD 0.00021; TOPMed 0.00025.
gnomAD v4.1: 61 of 1,613,972 alleles (0.0038%); highest among the groups gnomAD compares: African/African-American, 0.073%; no homozygotes.

Submissions (3):

Labcorp Genetics (formerly Invitae), Labcorp
Classification: Uncertain significance. Last evaluated: 2025-05-18. Review status: criteria provided, single submitter. Criteria: Invitae Variant Classification Sherloc (09022015). Collection method: clinical testing. Allele origin: germline.
Comment: This sequence change replaces lysine, which is basic and polar, with asparagine, which is neutral and polar, at codon 50 of the SYT2 protein (p.Lys50Asn). This variant is present in population databases (rs371333320, gnomAD 0.07%). This variant has not been reported in the literature in individuals affected with SYT2-related conditions. ClinVar contains an entry for this variant (Variation ID: 2168541). An algorithm developed to predict the effect of missense changes on protein structure and function (PolyPhen-2) suggests that this variant is likely to be tolerated. In summary, the available evidence is currently insufficient to determine the role of this variant in disease. Therefore, it has been classified as a Variant of Uncertain Significance.

Ambry Genetics
Classification: Uncertain significance for Inborn genetic diseases. Last evaluated: 2025-03-08. Review status: criteria provided, single submitter. Criteria: Ambry Variant Classification Scheme 2023. Collection method: clinical testing. Allele origin: germline.

Revvity Omics, Revvity
Classification: Uncertain significance. Last evaluated: 2025-01-16. Review status: criteria provided, single submitter. Criteria: ACMG Guidelines, 2015. Collection method: clinical testing. Allele origin: germline.